The following is an entry in ClinVar:

ClinVar aggregate classification (germline): Uncertain significance (1 of 4 stars; one submission).

Conditions:
Cardiac arrhythmia. Also called: Cardiac rhythm disease; Arrhythmia. Identifiers: MedGen C0003811, MONDO:0007263, HP:0011675.

gnomAD v4.1: 19 of 1,613,746 alleles (0.0012%); highest among the groups gnomAD compares: Non-Finnish European, 0.0016%; no homozygotes.

Submission:

Labcorp Genetics (formerly Invitae), Labcorp
Classification: Uncertain significance for Cardiac arrhythmia. Last evaluated: 2023-07-25. Review status: criteria provided, single submitter. Criteria: Invitae Variant Classification Sherloc (09022015). Collection method: clinical testing. Allele origin: germline.
Comment: In summary, the available evidence is currently insufficient to determine the role of this variant in disease. Therefore, it has been classified as a Variant of Uncertain Significance. Algorithms developed to predict the effect of sequence changes on RNA splicing suggest that this variant may disrupt the consensus splice site. An algorithm developed to predict the effect of missense changes on protein structure and function (PolyPhen-2) suggests that this variant is likely to be tolerated. ClinVar contains an entry for this variant (Variation ID: 1403512). This variant has not been reported in the literature in individuals affected with RANGRF-related conditions. This variant is present in population databases (no rsID available, gnomAD 0.0009%). This sequence change replaces arginine, which is basic and polar, with proline, which is neutral and non-polar, at codon 59 of the RANGRF protein (p.Arg59Pro).

NM_016492.5(RANGRF):c.176G>C (p.Arg59Pro)

Genes: RANGRF (RAN guanine nucleotide release factor; plus strand), SLC25A35 (solute carrier family 25 member 35; minus strand). Cytogenetic location: 17p13.1.
Variant type: single nucleotide variant.
Coding change: c.176G>C on transcript NM_016492.5 (MANE Select); coding-DNA position 176, G replaced by C.
Protein change: p.Arg59Pro; replaces arginine 59 with proline.
Molecular consequence: missense variant. On other transcripts: non-coding transcript variant (2), intron variant (1), 3 prime UTR variant (2).
Genome position (GRCh38, 1-based): chr17:8,289,054, G>C. VCF-style: chr17-8289054-G-C. GRCh37 (hg19) VCF-style: chr17-8192372-G-C.
Other names: c.*42+520C>G (NM_001320871.2); c.176G>C, p.Arg59Pro (NM_001177801.2, NM_001177802.2, NM_001330127.2); c.*429C>G (NM_001320872.2); c.*562C>G (NM_201520.3); short protein forms R59P.
Identifiers: ClinVar variation 1403512 (VCV001403512.6), dbSNP rs750625803, ClinGen allele CA397994394.